The following is an entry in ClinVar:

NM_206933.4(USH2A):c.12328T>G (p.Tyr4110Asp)

Gene: USH2A (usherin; minus strand). Cytogenetic location: 1q41.
Variant type: single nucleotide variant.
Coding change: c.12328T>G on transcript NM_206933.4 (MANE Select); coding-DNA position 12328, T replaced by G.
Protein change: p.Tyr4110Asp; replaces tyrosine 4110 with aspartic acid.
Molecular consequence: missense variant.
Genome position (GRCh38, 1-based): chr1:215,675,583, A>C on the plus strand (T>G on the coding strand, the complement: USH2A is on the minus strand). VCF-style: chr1-215675583-A-C. GRCh37 (hg19) VCF-style: chr1-215848925-A-C.
Other names: short protein forms Y4110D.
Identifiers: ClinVar variation 4853072 (VCV004853072.1).
Genomic context (GRCh38, chr1:215,675,583, plus strand): 5'-GTGTGTAGAGAGTGAAAGGATCCAGGCGGCGGAAGAGAAACTGACGATTCAAACCAGAGT[A>C]CTCCAGGAACCCGTCACTGAAGATGTTGTATGTCTACAGAAGGACAGAAGCAAAAGGGAT-3'
Protein context (NP_996816.3, residues 4100-4120): YNIFSDGFLE[Tyr4110Asp]SGLNRQFLFR

ClinVar aggregate classification (germline): Uncertain significance (1 of 4 stars; one submission).

gnomAD v4.1: 3 of 1,613,998 alleles (0.00019%); highest among the groups gnomAD compares: Non-Finnish European, 0.00025%; no homozygotes.

Submission:

Women's Health and Genetics/Laboratory Corporation of America, LabCorp
Classification: Uncertain significance. Last evaluated: 2026-05-14. Review status: criteria provided, single submitter. Criteria: LabCorp Variant Classification Summary - May 2015. Collection method: clinical testing. Allele origin: germline.
Comment: Variant summary: USH2A c.12328T>G (p.Tyr4110Asp) results in a non-conservative amino acid change in the encoded protein sequence. Algorithms developed to predict the effect of missense changes on protein structure and function are either unavailable or do not agree on the potential impact of this missense change. The variant was absent in 250566 control chromosomes. The available data on variant occurrences in the general population are insufficient to allow any conclusion about variant significance. c.12328T>G has been observed in individual(s) affected with retinitis pigmentosa or with retinal dystrophy with second variants unreported or classified as VUS (e.g. vanHuet_2015, Panneman_2023). These report(s) do not provide unequivocal conclusions about association of the variant with Usher Syndrome. To our knowledge, no experimental evidence demonstrating an impact on protein function has been reported. The following publications have been ascertained in the context of this evaluation (PMID: 36819107, 25999674). No submitters have cited clinical-significance assessments for this variant to ClinVar. Based on the evidence outlined above, the variant was classified as uncertain significance.

Literature cited by the submitters: PubMed 25999674; PubMed 36819107.